The following is an entry in ClinVar:

NM_001698.3(AUH):c.499G>A (p.Asp167Asn)

Gene: AUH (AU RNA binding methylglutaconyl-CoA hydratase; minus strand). Cytogenetic location: 9q22.31.
Variant type: single nucleotide variant.
Coding change: c.499G>A on transcript NM_001698.3 (MANE Select); coding-DNA position 499, G replaced by A.
Protein change: p.Asp167Asn; replaces aspartic acid 167 with asparagine.
Molecular consequence: missense variant. On other transcripts: intron variant (1).
Genome position (GRCh38, 1-based): chr9:91,325,324, C>T on the plus strand (G>A on the coding strand, the complement: AUH is on the minus strand). VCF-style: chr9-91325324-C-T. GRCh37 (hg19) VCF-style: chr9-94087606-C-T.
Other names: c.172G>A, p.Asp58Asn (NM_001351431.2, NM_001351432.2, NM_001351433.2); c.419-27248G>A (NM_001306190.2); short protein forms D58N, D167N.
Identifiers: ClinVar variation 1525844 (VCV001525844.5), dbSNP rs776409546, ClinGen allele CA5119840.

ClinVar aggregate classification (germline): Uncertain significance (1 of 4 stars; one submission).

Conditions:
3-methylglutaconic aciduria type 1 (MGCA1). Identifiers: Orphanet 67046, MedGen C0342727, MONDO:0009610, OMIM 250950.

gnomAD v4.1: 11 of 1,613,008 alleles (0.00068%); highest among the groups gnomAD compares: African/African-American, 0.0067%; no homozygotes.

Submission:

Labcorp Genetics (formerly Invitae), Labcorp
Classification: Uncertain significance for 3-methylglutaconic aciduria type 1. Last evaluated: 2021-08-24. Review status: criteria provided, single submitter. Criteria: Invitae Variant Classification Sherloc (09022015). Collection method: clinical testing. Allele origin: germline.
Comment: This sequence change replaces aspartic acid with asparagine at codon 167 of the AUH protein (p.Asp167Asn). The aspartic acid residue is weakly conserved and there is a small physicochemical difference between aspartic acid and asparagine. This variant is present in population databases (rs776409546, ExAC 0.01%). This variant has not been reported in the literature in individuals affected with AUH-related conditions. Algorithms developed to predict the effect of missense changes on protein structure and function (SIFT, PolyPhen-2, Align-GVGD) all suggest that this variant is likely to be tolerated. In summary, the available evidence is currently insufficient to determine the role of this variant in disease. Therefore, it has been classified as a Variant of Uncertain Significance.